The following is an entry in ClinVar:

ClinVar aggregate classification (germline): Conflicting classifications of pathogenicity. Review status: criteria provided, conflicting classifications (1 of 4 stars). 5 submissions from 5 submitters: Uncertain significance (4); Likely benign (1). Last evaluated 2026-03-03.

Conditions:
SHOC2-related disorder. Also called: SHOC2-related condition.
Cardiovascular phenotype. Identifiers: MedGen CN230736.
RASopathy. Also called: Noonan spectrum disorder; rasopathies. Identifiers: Orphanet 536391, MedGen C5555857, MONDO:0021060.

Allele frequency attached by ClinVar (database versions not stated): gnomAD exomes 0.00001 and 0.00002; ExAC 0.00002; gnomAD 0.00002; TOPMed 0.00003.
gnomAD v4.1: 17 of 1,611,420 alleles (0.0011%); highest among the groups gnomAD compares: Admixed American, 0.0083%; no homozygotes.

Submissions (5):

PreventionGenetics, part of Exact Sciences
Classification: Uncertain significance for SHOC2-related condition. Last evaluated: 2026-03-03. Review status: criteria provided, single submitter. Criteria: ACMG Guidelines, 2015. Collection method: clinical testing. Allele origin: germline.
Comment: The SHOC2 c.961A>G variant is predicted to result in the amino acid substitution p.Thr321Ala. To our knowledge, this variant has not been reported in the literature. This variant is reported in 0.0062% of alleles in individuals of African descent in gnomAD. At this time, the clinical significance of this variant is uncertain due to the absence of conclusive functional and genetic evidence.

Labcorp Genetics (formerly Invitae), Labcorp
Classification: Uncertain significance for RASopathy. Last evaluated: 2025-12-31. Review status: criteria provided, single submitter. Criteria: Invitae Variant Classification Sherloc (09022015). Collection method: clinical testing. Allele origin: germline.
Comment: This sequence change replaces threonine, which is neutral and polar, with alanine, which is neutral and non-polar, at codon 321 of the SHOC2 protein (p.Thr321Ala). This variant is present in population databases (rs779218281, gnomAD 0.007%). This variant has not been reported in the literature in individuals affected with SHOC2-related conditions. ClinVar contains an entry for this variant (Variation ID: 928787). Invitae Evidence Modeling of protein sequence and biophysical properties (such as structural, functional, and spatial information, amino acid conservation, physicochemical variation, residue mobility, and thermodynamic stability) indicates that this missense variant is not expected to disrupt SHOC2 protein function with a negative predictive value of 80%. In summary, the available evidence is currently insufficient to determine the role of this variant in disease. Therefore, it has been classified as a Variant of Uncertain Significance.

Ambry Genetics
Classification: Uncertain significance for Cardiovascular phenotype. Last evaluated: 2025-01-20. Review status: criteria provided, single submitter. Criteria: Ambry Variant Classification Scheme 2023. Collection method: clinical testing. Allele origin: germline.

GeneDx
Classification: Likely benign. Last evaluated: 2022-08-26. Review status: criteria provided, single submitter. Criteria: GeneDx Variant Classification Process June 2021. Collection method: clinical testing. Allele origin: germline. Affected: yes.
Comment: See Variant Classification Assertion Criteria.

Women's Health and Genetics/Laboratory Corporation of America, LabCorp
Classification: Uncertain significance. Last evaluated: 2019-09-09. Review status: criteria provided, single submitter. Criteria: LabCorp Variant Classification Summary - May 2015. Collection method: clinical testing. Allele origin: germline.
Comment: Variant summary: SHOC2 c.961A>G (p.Thr321Ala) results in a non-conservative amino acid change located in the Leucine-rich repeat domain (IPR001611) of the encoded protein sequence. Three of five in-silico tools predict a benign effect of the variant on protein function. The variant allele was found at a frequency of 1.6e-05 in 250668 control chromosomes (gnomAD). The available data on variant occurrences in the general population are insufficient to allow any conclusion about variant significance. To our knowledge, no occurrence of c.961A>G in individuals affected with Noonan Syndrome and Related Conditions and no experimental evidence demonstrating its impact on protein function have been reported. No clinical diagnostic laboratories have submitted clinical-significance assessments for this variant to ClinVar after 2014. Based on the evidence outlined above, the variant was classified as uncertain significance.

NM_007373.4(SHOC2):c.961A>G (p.Thr321Ala)

Gene: SHOC2 (SHOC2 leucine rich repeat scaffold protein; plus strand). Cytogenetic location: 10q25.2.
Variant type: single nucleotide variant.
Coding change: c.961A>G on transcript NM_007373.4 (MANE Select); coding-DNA position 961, A replaced by G.
Protein change: p.Thr321Ala; replaces threonine 321 with alanine.
Molecular consequence: missense variant. On other transcripts: non-coding transcript variant (1).
Genome position (GRCh38, 1-based): chr10:111,000,534, A>G. VCF-style: chr10-111000534-A-G. GRCh37 (hg19) VCF-style: chr10-112760292-A-G.
Other names: c.823A>G, p.Thr275Ala (NM_001269039.3); c.961A>G, p.Thr321Ala (NM_001324336.2, NM_001324337.2); short protein forms T275A, T321A.
Identifiers: ClinVar variation 928787 (VCV000928787.12), dbSNP rs779218281, ClinGen allele CA5689686.